The following is an entry in ClinVar:

ClinVar aggregate classification (germline): Uncertain significance (1 of 4 stars; one submission).

Conditions:
Joubert syndrome. Also called: CEREBELLOPARENCHYMAL DISORDER IV; JOUBERT-BOLTSHAUSER SYNDROME; Familial aplasia of the vermis. Identifiers: Orphanet 475, MedGen C5979921, MONDO:0018772.
Meckel-Gruber syndrome. Also called: DYSENCEPHALIA SPLANCHNOCYSTICA; GRUBER SYNDROME; Dysencephalia splachnocystica. Identifiers: Orphanet 564, MedGen C0265215, MONDO:0018921.

Allele frequency attached by ClinVar (database versions not stated): gnomAD 0.00001; TOPMed 0.00001.
gnomAD v4.1: 1 of 1,608,388 alleles (0.000062%); highest among the groups gnomAD compares: African/African-American, 0.0013%; no homozygotes.

Submission:

Labcorp Genetics (formerly Invitae), Labcorp
Classification: Uncertain significance for Joubert syndrome; Meckel-Gruber syndrome. Last evaluated: 2022-05-17. Review status: criteria provided, single submitter. Criteria: Invitae Variant Classification Sherloc (09022015). Collection method: clinical testing. Allele origin: germline.
Comment: This sequence change replaces histidine, which is basic and polar, with glutamine, which is neutral and polar, at codon 795 of the TMEM67 protein (p.His795Gln). This variant is not present in population databases (gnomAD no frequency). This variant has not been reported in the literature in individuals affected with TMEM67-related conditions. Advanced modeling of protein sequence and biophysical properties (such as structural, functional, and spatial information, amino acid conservation, physicochemical variation, residue mobility, and thermodynamic stability) performed at Invitae indicates that this missense variant is expected to disrupt TMEM67 protein function. In summary, the available evidence is currently insufficient to determine the role of this variant in disease. Therefore, it has been classified as a Variant of Uncertain Significance.

NM_153704.6(TMEM67):c.2385T>A (p.His795Gln)

Gene: TMEM67 (transmembrane protein 67; plus strand). Cytogenetic location: 8q22.1.
Variant type: single nucleotide variant.
Coding change: c.2385T>A on transcript NM_153704.6 (MANE Select); coding-DNA position 2385, T replaced by A.
Protein change: p.His795Gln; replaces histidine 795 with glutamine.
Molecular consequence: missense variant. On other transcripts: non-coding transcript variant (1).
Genome position (GRCh38, 1-based): chr8:93,804,824, T>A. VCF-style: chr8-93804824-T-A. GRCh37 (hg19) VCF-style: chr8-94817052-T-A.
Other names: c.2142T>A, p.His714Gln (NM_001142301.1); short protein forms H714Q, H795Q.
Identifiers: ClinVar variation 2086136 (VCV002086136.1), dbSNP rs1467056635, ClinGen allele CA371698221.
Genomic context (GRCh38, chr8:93,804,824, plus strand): 5'-ATCAGTGTTTCTGTTATCCCACAAATGTTTTGGATATTACATTCATGGTAGATCAGTACA[T>A]GGGCATGCAGATACTAATATGGAAGAAATGAATATGAACCTTAAAAGAGAAGCGGTATGA-3'
Protein context (NP_714915.3, residues 785-805): FGYYIHGRSV[His795Gln]GHADTNMEEM